The following is an entry in ClinVar:

ClinVar aggregate classification (germline): Uncertain significance. Review status: criteria provided, multiple submitters, no conflicts (2 of 4 stars). 2 submissions from 2 submitters: Uncertain significance (2). Last evaluated 2024-02-23.

Allele frequency attached by ClinVar (database versions not stated): TOPMed below 0.00001; gnomAD 0.00001; ExAC 0.00003.
gnomAD v4.1: 14 of 1,581,932 alleles (0.00088%); highest among the groups gnomAD compares: East Asian, 0.0023%; no homozygotes.

Submissions (2):

Blueprint Genetics
Classification: Uncertain significance. Last evaluated: 2024-02-23. Review status: criteria provided, single submitter. Criteria: ACMG Guidelines, 2015. Collection method: clinical testing. Allele origin: germline.

Labcorp Genetics (formerly Invitae), Labcorp
Classification: Uncertain significance. Last evaluated: 2022-10-12. Review status: criteria provided, single submitter. Criteria: Invitae Variant Classification Sherloc (09022015). Collection method: clinical testing. Allele origin: germline.
Comment: This sequence change replaces arginine, which is basic and polar, with histidine, which is basic and polar, at codon 406 of the PRPF31 protein (p.Arg406His). This variant is not present in population databases (gnomAD no frequency). In summary, the available evidence is currently insufficient to determine the role of this variant in disease. Therefore, it has been classified as a Variant of Uncertain Significance. Algorithms developed to predict the effect of missense changes on protein structure and function are either unavailable or do not agree on the potential impact of this missense change (SIFT: "Tolerated"; PolyPhen-2: "Possibly Damaging"; Align-GVGD: "Class C0"). This variant has not been reported in the literature in individuals affected with PRPF31-related conditions.

NM_015629.4(PRPF31):c.1217G>A (p.Arg406His)

Gene: PRPF31 (pre-mRNA processing factor 31; plus strand). Cytogenetic location: 19q13.42.
Variant type: single nucleotide variant.
Coding change: c.1217G>A on transcript NM_015629.4 (MANE Select); coding-DNA position 1217, G replaced by A.
Protein change: p.Arg406His; replaces arginine 406 with histidine.
Molecular consequence: missense variant.
Genome position (GRCh38, 1-based): chr19:54,129,127, G>A. VCF-style: chr19-54129127-G-A. GRCh37 (hg19) VCF-style: chr19-54632502-G-A.
Other names: short protein forms R406H.
Identifiers: ClinVar variation 1988879 (VCV001988879.5), dbSNP rs760999883, ClinGen allele CA309330558.
Genomic context (GRCh38, chr19:54,129,127, plus strand): 5'-ACGCCTACCAGGAGGACCTGGGATTCAGCCTGGGCCACCTGGGCAAGTCGGGCAGTGGGC[G>A]TGTGCGGCAGACACAGGTAAACGAGGCCACCAAGGCCAGGATCTCCAAGACGCTGCAGGT-3'
Protein context (NP_056444.3, residues 396-416): LGHLGKSGSG[Arg406His]VRQTQVNEAT